The following is an entry in ClinVar:

NM_000302.4(PLOD1):c.1752C>G (p.Asn584Lys)

Gene: PLOD1 (procollagen-lysine,2-oxoglutarate 5-dioxygenase 1; plus strand). Cytogenetic location: 1p36.22.
Variant type: single nucleotide variant.
Coding change: c.1752C>G on transcript NM_000302.4 (MANE Select); coding-DNA position 1752, C replaced by G.
Protein change: p.Asn584Lys; replaces asparagine 584 with lysine.
Molecular consequence: missense variant.
Genome position (GRCh38, 1-based): chr1:11,967,088, C>G. VCF-style: chr1-11967088-C-G. GRCh37 (hg19) VCF-style: chr1-12027145-C-G.
Other names: c.1893C>G, p.Asn631Lys (NM_001316320.2); short protein forms N584K, N631K.
Identifiers: ClinVar variation 4862068 (VCV004862068.1).

ClinVar aggregate classification (germline): Uncertain significance (1 of 4 stars; one submission).

Conditions:
Familial thoracic aortic aneurysm and aortic dissection (TAAD). Also called: Thoracic aortic aneurysms and dissections. Identifiers: Orphanet 91387, MedGen C4707243, MONDO:0019625.

gnomAD v4.1: 1 of 1,598,584 alleles (0.000063%); no homozygotes.

Submission:

Ambry Genetics
Classification: Uncertain significance for Familial thoracic aortic aneurysm and aortic dissection. Last evaluated: 2026-05-14. Review status: criteria provided, single submitter. Criteria: Ambry Variant Classification Scheme 2023. Collection method: clinical testing. Allele origin: germline.
Comment: The p.N584K variant (also known as c.1752C>G), located in coding exon 16 of the PLOD1 gene, results from a C to G substitution at nucleotide position 1752. The asparagine at codon 584 is replaced by lysine, an amino acid with similar properties. This amino acid position is conserved. In addition, this alteration is predicted to be tolerated by in silico analysis. Based on the available evidence, the clinical significance of this variant remains unclear.